The following is an entry in ClinVar:

ClinVar aggregate classification (germline): Pathogenic (1 of 4 stars; one submission).

Conditions:
Lynch syndrome 5 (LYNCH5). Also called: Colorectal cancer, hereditary nonpolyposis, type 5; Hereditary non-polyposis colorectal cancer, type 5. Identifiers: Orphanet 144, MedGen C1833477, MONDO:0013710, OMIM 614350. Disease mechanism: loss of function.

Submission:

Myriad Genetics, Inc.
Classification: Pathogenic for Lynch syndrome 5. Last evaluated: 2023-08-16. Review status: criteria provided, single submitter. Criteria: Myriad Autosomal Dominant, Autosomal Recessive and X-Linked Classification Criteria (2023). Collection method: clinical testing. Allele origin: unknown.
Comment: This variant is considered pathogenic. This variant creates a frameshift predicted to result in premature protein truncation.

NM_000179.3(MSH6):c.1975_1976insCT (p.Leu659fs)

Gene: MSH6 (mutS homolog 6; plus strand). Cytogenetic location: 2p16.3.
Variant type: Insertion.
Coding change: c.1975_1976insCT on transcript NM_000179.3 (MANE Select); coding-DNA positions 1975 to 1976, CT inserted.
Protein change: p.Leu659fs; shifts the reading frame from leucine 659.
Molecular consequence: frameshift variant. On other transcripts: non-coding transcript variant (5), intron variant (2).
Genome position: GRCh38 VCF-style: chr2-47799958-C-CCT. GRCh37 (hg19) VCF-style: chr2-48027097-C-CCT.
Other names: c.1585_1586insCT, p.Leu529fs (NM_001281492.2); c.1069_1070insCT, p.Leu357fs (NM_001281493.2, NM_001281494.2, NM_001406811.1 and 6 more transcripts); c.2071_2072insCT, p.Leu691fs (NM_001406795.1, NM_001406802.1); c.1975_1976insCT, p.Leu659fs (NM_001406796.1, NM_001406798.1, NM_001406800.1 and 3 more transcripts); c.1678_1679insCT, p.Leu560fs (NM_001406797.1, NM_001406801.1, NM_001406805.1 and 10 more transcripts); c.1450_1451insCT, p.Leu484fs (NM_001406799.1, NM_001406806.1, NM_001406807.1); c.1897_1898insCT, p.Leu633fs (NM_001406804.1); c.1981_1982insCT, p.Leu661fs (NM_001406813.1); and 3 more; short protein forms L357fs, L484fs, L529fs, L560fs, L603fs, L633fs, L659fs, L661fs.
Identifiers: ClinVar variation 2673771 (VCV002673771.1), dbSNP rs2530642412, ClinGen allele CA2695200657.